The following is an entry in ClinVar:

ClinVar aggregate classification (germline): Uncertain significance (1 of 4 stars; one submission).

Conditions:
MCTP2-related disorder. Also called: MCTP2-related condition.

gnomAD v4.1: 10 of 1,597,390 alleles (0.00063%); highest among the groups gnomAD compares: Non-Finnish European, 0.00085%; no homozygotes.

Submission:

PreventionGenetics, part of Exact Sciences
Classification: Uncertain significance for MCTP2-related condition. Last evaluated: 2023-06-21. Review status: criteria provided, single submitter. Criteria: ACMG Guidelines, 2015. Collection method: clinical testing. Allele origin: germline.
Comment: The MCTP2 c.1484G>C variant is predicted to result in the amino acid substitution p.Arg495Pro. To our knowledge, this variant has not been reported in the literature. This variant is reported in 0.00094% of alleles in individuals of European (Non-Finnish) descent in gnomAD. At this time, the clinical significance of this variant is uncertain due to the absence of conclusive functional and genetic evidence.

NM_001385001.1(MCTP2):c.1484G>C (p.Arg495Pro)

Gene: MCTP2 (multiple C2 and transmembrane domain containing 2; plus strand). Cytogenetic location: 15q26.2.
Variant type: single nucleotide variant.
Coding change: c.1484G>C on transcript NM_001385001.1 (MANE Select); coding-DNA position 1484, G replaced by C.
Protein change: p.Arg495Pro; replaces arginine 495 with proline.
Molecular consequence: missense variant. On other transcripts: non-coding transcript variant (7).
Genome position (GRCh38, 1-based): chr15:94,367,787, G>C. VCF-style: chr15-94367787-G-C. GRCh37 (hg19) VCF-style: chr15-94911016-G-C.
Other names: c.1484G>C, p.Arg495Pro (NM_001159643.2, NM_001385002.1, NM_001385003.1 and 5 more transcripts); c.248G>C, p.Arg83Pro (NM_001159644.2); c.1202G>C, p.Arg401Pro (NM_001385007.1); c.986G>C, p.Arg329Pro (NM_001385009.1, NM_001385010.1); c.1166G>C, p.Arg389Pro (NM_001385011.1); short protein forms R329P, R389P, R401P, R495P, R83P.
Identifiers: ClinVar variation 2634978 (VCV002634978.1), dbSNP rs140445827, ClinGen allele CA393910936.